The following is an entry in ClinVar:

NM_001267550.2(TTN):c.106894G>C (p.Gly35632Arg)

Genes: TTN (titin; minus strand), TTN-AS1 (TTN antisense RNA 1; plus strand). Cytogenetic location: 2q31.2.
Variant type: single nucleotide variant.
Coding change: c.106894G>C on transcript NM_001267550.2 (MANE Select); coding-DNA position 106894, G replaced by C.
Protein change: p.Gly35632Arg; replaces glycine 35632 with arginine.
Molecular consequence: missense variant.
Genome position (GRCh38, 1-based): chr2:178,528,857, C>G on the plus strand (G>C on the coding strand, the complement: TTN is on the minus strand). VCF-style: chr2-178528857-C-G. GRCh37 (hg19) VCF-style: chr2-179393584-C-G.
Other names: c.79699G>C, p.Gly26567Arg (NM_003319.4); c.99190G>C, p.Gly33064Arg (NM_133378.4); c.80074G>C, p.Gly26692Arg (NM_133432.3); c.80275G>C, p.Gly26759Arg (NM_133437.4); c.101971G>C, p.Gly33991Arg (NM_001256850.1); short protein forms G35632R, G26567R, G26692R, G33991R, G26759R, G33064R.
Identifiers: ClinVar variation 2932142 (VCV002932142.4), dbSNP rs1438555898, ClinGen allele CA349402736.
Genomic context (GRCh38, chr2:178,528,857, plus strand): 5'-GGTACTCCTCAGAGTTGGTAAGCTCTACGCCATTCAGTACCCATTTCACATCAGTGGCAC[C>G]AGCAATGTTGGCTTTTAAAACCAGTCTTTGACCTTCGTTTATGCTCATCTGAGTAGAAAA-3'
Protein context (NP_001254479.2, residues 35622-35642): QRLVLKANIA[Gly35632Arg]ATDVKWVLNG

ClinVar aggregate classification (germline): Uncertain significance. Review status: criteria provided, multiple submitters, no conflicts (2 of 4 stars). 2 submissions from 2 submitters: Uncertain significance (2). Last evaluated 2024-04-30.

Conditions:
Hypertrophic cardiomyopathy 9. Also called: Familial hypertrophic cardiomyopathy 9. Identifiers: MedGen C1861065, MONDO:0013412, OMIM 613765.
Tibial muscular dystrophy (TMD). Also called: UDD MYOPATHY; Tibial muscular dystrophy, tardive; Udd Distal Myopathy – Tibial Muscular Dystrophy. Identifiers: Orphanet 609, MedGen C1838244, MONDO:0010870, OMIM 600334.
Autosomal recessive limb-girdle muscular dystrophy type 2J (LGMDR10). Also called: Limb-girdle muscular dystrophy, type 2J; MUSCULAR DYSTROPHY, LIMB-GIRDLE, AUTOSOMAL RECESSIVE 10. Identifiers: Orphanet 140922, MedGen C1837342, MONDO:0012127, OMIM 608807.
Early-onset myopathy with fatal cardiomyopathy (CMYO5). Also called: Salih Myopathy; CONGENITAL MYOPATHY 5 WITH CARDIOMYOPATHY. Identifiers: Orphanet 289377, MedGen C2673677, MONDO:0012714, OMIM 611705. Disease mechanism: loss of function.
Myopathy, myofibrillar, 9, with early respiratory failure (MFM9). Also called: Hereditary myopathy with early respiratory failure; EDSTROM MYOPATHY; MYOPATHY, PROXIMAL, WITH EARLY RESPIRATORY MUSCLE INVOLVEMENT; Myopathy, distal, with early respiratory failure, autosomal dominant. Identifiers: Orphanet 178464, Orphanet 34521, MedGen C1863599, MONDO:0011362, OMIM 603689.
Dilated cardiomyopathy 1G (CMD1G). Identifiers: Orphanet 154, MedGen C1858763, MONDO:0011400, OMIM 604145.

Submissions (2):

Fulgent Genetics
Classification: Uncertain significance for Tibial muscular dystrophy; Myopathy, myofibrillar, 9, with early respiratory failure; Dilated cardiomyopathy 1G; Autosomal recessive limb-girdle muscular dystrophy type 2J; Early-onset myopathy with fatal cardiomyopathy; Hypertrophic cardiomyopathy 9. Last evaluated: 2024-04-30. Review status: criteria provided, single submitter. Criteria: ACMG Guidelines, 2015. Collection method: clinical testing. Allele origin: germline.

Labcorp Genetics (formerly Invitae), Labcorp
Classification: Uncertain significance for Dilated cardiomyopathy 1G; Autosomal recessive limb-girdle muscular dystrophy type 2J. Last evaluated: 2023-05-20. Review status: criteria provided, single submitter. Criteria: Invitae Variant Classification Sherloc (09022015). Collection method: clinical testing. Allele origin: germline.
Comment: In summary, the available evidence is currently insufficient to determine the role of this variant in disease. Therefore, it has been classified as a Variant of Uncertain Significance. Experimental studies and prediction algorithms are not available or were not evaluated, and the functional significance of this variant is currently unknown. This variant has not been reported in the literature in individuals affected with TTN-related conditions. This variant is not present in population databases (gnomAD no frequency). This sequence change replaces glycine, which is neutral and non-polar, with arginine, which is basic and polar, at codon 35632 of the TTN protein (p.Gly35632Arg).